The following is an entry in ClinVar:

ClinVar aggregate classification (germline): Uncertain significance. Review status: criteria provided, multiple submitters, no conflicts (2 of 4 stars). 2 submissions from 2 submitters: Uncertain significance (2). Last evaluated 2025-11-03.

Conditions:
Inborn genetic diseases. Identifiers: MedGen C0950123, MeSH D030342.
Muscular dystrophy-dystroglycanopathy (congenital with brain and eye anomalies), type A13. Also called: WALKER-WARBURG SYNDROME OR MUSCLE-EYE-BRAIN DISEASE, B3GNT1-RELATED; Muscular dystrophy-dystroglycanopathy (congenital with brain and eye anomalies), type a, 13. Identifiers: Orphanet 899, MedGen C3809042, MONDO:0014120, OMIM 615287.

Allele frequency attached by ClinVar (database versions not stated): TOPMed below 0.00001; gnomAD 0.00001; gnomAD exomes 0.00001.
gnomAD v4.1: 6 of 1,572,116 alleles (0.00038%); highest among the groups gnomAD compares: Non-Finnish European, 0.00052%; no homozygotes.

Submissions (2):

Ambry Genetics
Classification: Uncertain significance for Inborn genetic diseases. Last evaluated: 2025-11-03. Review status: criteria provided, single submitter. Criteria: Ambry Variant Classification Scheme 2023. Collection method: clinical testing. Allele origin: germline.

Labcorp Genetics (formerly Invitae), Labcorp
Classification: Uncertain significance for Muscular dystrophy-dystroglycanopathy (congenital with brain and eye anomalies), type A13. Last evaluated: 2020-10-10. Review status: criteria provided, single submitter. Criteria: Invitae Variant Classification Sherloc (09022015). Collection method: clinical testing. Allele origin: germline.
Comment: In summary, the available evidence is currently insufficient to determine the role of this variant in disease. Therefore, it has been classified as a Variant of Uncertain Significance. Algorithms developed to predict the effect of missense changes on protein structure and function output the following: SIFT: "Tolerated"; PolyPhen-2: "Benign"; Align-GVGD: "Class C0". The threonine amino acid residue is found in multiple mammalian species, suggesting that this missense change does not adversely affect protein function. These predictions have not been confirmed by published functional studies and their clinical significance is uncertain. This variant has not been reported in the literature in individuals with B4GAT1-related conditions. This variant is not present in population databases (ExAC no frequency). This sequence change replaces alanine with threonine at codon 75 of the B4GAT1 protein (p.Ala75Thr). The alanine residue is moderately conserved and there is a small physicochemical difference between alanine and threonine.

NM_006876.3(B4GAT1):c.223G>A (p.Ala75Thr)

Gene: B4GAT1 (beta-1,4-glucuronyltransferase 1; minus strand). Cytogenetic location: 11q13.2.
Variant type: single nucleotide variant.
Coding change: c.223G>A on transcript NM_006876.3 (MANE Select); coding-DNA position 223, G replaced by A.
Protein change: p.Ala75Thr; replaces alanine 75 with threonine.
Molecular consequence: missense variant.
Genome position (GRCh38, 1-based): chr11:66,347,323, C>T on the plus strand (G>A on the coding strand, the complement: B4GAT1 is on the minus strand). VCF-style: chr11-66347323-C-T. GRCh37 (hg19) VCF-style: chr11-66114794-C-T.
Other names: short protein forms A75T.
Identifiers: ClinVar variation 1019557 (VCV001019557.12), dbSNP rs1465193578, ClinGen allele CA381418845.